The following is an entry in ClinVar:

ClinVar aggregate classification (germline): Likely benign (1 of 4 stars; one submission).

gnomAD v4.1: 11 of 1,613,932 alleles (0.00068%); highest among the groups gnomAD compares: East Asian, 0.025%; no homozygotes.

Submission:

CeGaT Center for Human Genetics Tuebingen
Classification: Likely benign. Last evaluated: 2026-05-01. Review status: criteria provided, single submitter. Criteria: CeGaT Center For Human Genetics Tuebingen Variant Classification Criteria Version 2. Collection method: clinical testing. Allele origin: germline. Affected: yes. Observed: 1 variant allele.
Comment: LDB3: BP4, BP7

NM_001368067.1(LDB3):c.819C>G (p.Gly273=)

Gene: LDB3 (LIM domain binding 3; plus strand). Cytogenetic location: 10q23.2.
Variant type: single nucleotide variant.
Coding change: c.819C>G on transcript NM_001368067.1 (MANE Plus Clinical); coding-DNA position 819, C replaced by G.
Protein change: p.Gly273=; no amino-acid change (glycine 273 retained).
Molecular consequence: synonymous variant. On other transcripts: intron variant (6).
Genome position (GRCh38, 1-based): chr10:86,699,341, C>G. VCF-style: chr10-86699341-C-G. GRCh37 (hg19) VCF-style: chr10-88459098-C-G.
Other names: c.960C>G, p.Gly320= (NM_001080115.2, NM_001368063.1); c.819C>G, p.Gly273= (NM_001080116.1, NM_001368068.1); c.1164C>G, p.Gly388= (NM_001171611.2); c.896+6770C>G (NM_001368064.1, NM_007078.3, NM_001368065.1); c.1100+6770C>G (NM_001171610.2); c.755+6770C>G (NM_001368066.1, NM_001080114.2).
Identifiers: ClinVar variation 4874904 (VCV004874904.2).
Genomic context (GRCh38, chr10:86,699,341, plus strand): 5'-AAGGTTTGAAACGGAACGTAACAGCCCACGTTTTGCCAAATTGCGCAACTGGCACCATGG[C>G]CTTTCAGCCCAAATCCTTAATGTTAAAAGCTAAAAGGCTGCCTGGAATCCCCCCACCCCA-3'
Protein context (NP_001354996.1, residues 263-283): RFAKLRNWHH[Gly273=]LSAQILNVKS